The following is an entry in ClinVar:

NM_004990.4(MARS1):c.1378C>T (p.Arg460Ter)

Gene: MARS1 (methionyl-tRNA synthetase 1; plus strand). Cytogenetic location: 12q13.3.
Variant type: single nucleotide variant.
Coding change: c.1378C>T on transcript NM_004990.4 (MANE Select); coding-DNA position 1378, C replaced by T.
Protein change: p.Arg460Ter; replaces arginine 460 with a stop codon.
Molecular consequence: nonsense.
Genome position (GRCh38, 1-based): chr12:57,511,707, C>T. VCF-style: chr12-57511707-C-T. GRCh37 (hg19) VCF-style: chr12-57905490-C-T.
Other names: short protein forms R460*.
Identifiers: ClinVar variation 1681732 (VCV001681732.3), dbSNP rs764820125, ClinGen allele CA6650509.
Genomic context (GRCh38, chr12:57,511,707, plus strand): 5'-TAACCATATATGAGACTTTCCTAAATCAGCCCTCTTTCTCCGTTATCTCAGCTGGAGAAG[C>T]GACTGGAGGAGTGGTTGGGGAGGACATTGCCTGGCAGTGACTGGACACCCAATGCCCAGT-3'

ClinVar aggregate classification (germline): Uncertain significance (1 of 4 stars; one submission).

Conditions:
Severe early-onset pulmonary alveolar proteinosis due to MARS deficiency. Also called: PULMONARY ALVEOLAR PROTEINOSIS, REUNION ISLAND; Interstitial lung and liver disease. Identifiers: Orphanet 440427, MedGen C4225400, MONDO:0014206, OMIM 615486.
Charcot-Marie-Tooth disease axonal type 2U. Also called: CHARCOT-MARIE-TOOTH NEUROPATHY, TYPE 2U; CHARCOT-MARIE-TOOTH DISEASE, AXONAL, AUTOSOMAL DOMINANT, TYPE 2U. Identifiers: Orphanet 397735, MedGen C4084821, MONDO:0014566, OMIM 616280.

Allele frequency attached by ClinVar (database versions not stated): ExAC 0.00001; gnomAD exomes 0.00001; TOPMed 0.00002; gnomAD 0.00003.
gnomAD v4.1: 16 of 1,614,034 alleles (0.00099%); highest among the groups gnomAD compares: Admixed American, 0.01%; no homozygotes.

Submission:

Labcorp Genetics (formerly Invitae), Labcorp
Classification: Uncertain significance for Charcot-Marie-Tooth disease axonal type 2U; Severe early-onset pulmonary alveolar proteinosis due to MARS deficiency. Last evaluated: 2021-10-07. Review status: criteria provided, single submitter. Criteria: Invitae Variant Classification Sherloc (09022015). Collection method: clinical testing. Allele origin: germline.
Comment: This sequence change creates a premature translational stop signal (p.Arg460*) in the MARS gene. It is expected to result in an absent or disrupted protein product. However, the current clinical and genetic evidence is not sufficient to establish whether loss-of-function variants in MARS cause disease. This variant is present in population databases (rs764820125, ExAC 0.01%). This variant has not been reported in the literature in individuals affected with MARS-related conditions. Algorithms developed to predict the effect of sequence changes on RNA splicing suggest that this variant may create or strengthen a splice site. In summary, the available evidence is currently insufficient to determine the role of this variant in disease. Therefore, it has been classified as a Variant of Uncertain Significance.